The following is an entry in ClinVar:

NM_001430.5(EPAS1):c.2474G>T (p.Arg825Leu)

Gene: EPAS1 (endothelial PAS domain protein 1; plus strand). Cytogenetic location: 2p21.
Variant type: single nucleotide variant.
Coding change: c.2474G>T on transcript NM_001430.5 (MANE Select); coding-DNA position 2474, G replaced by T.
Protein change: p.Arg825Leu; replaces arginine 825 with leucine.
Molecular consequence: missense variant.
Genome position (GRCh38, 1-based): chr2:46,384,521, G>T. VCF-style: chr2-46384521-G-T. GRCh37 (hg19) VCF-style: chr2-46611660-G-T.
Other names: short protein forms R825L.
Identifiers: ClinVar variation 3221632 (VCV003221632.1), dbSNP rs374829070, ClinGen allele CA346706956.

ClinVar aggregate classification (germline): Uncertain significance (1 of 4 stars; one submission).

Conditions:
Inborn genetic diseases. Identifiers: MedGen C0950123, MeSH D030342.

Submission:

Ambry Genetics
Classification: Uncertain significance for Inborn genetic diseases. Last evaluated: 2024-03-09. Review status: criteria provided, single submitter. Criteria: Ambry Variant Classification Scheme 2023. Collection method: clinical testing. Allele origin: germline.
Comment: The p.R825L variant (also known as c.2474G>T), located in coding exon 16 of the EPAS1 gene, results from a G to T substitution at nucleotide position 2474. The arginine at codon 825 is replaced by leucine, an amino acid with dissimilar properties. This amino acid position is conserved. In addition, the in silico prediction for this alteration is inconclusive. Based on the available evidence, the clinical significance of this alteration remains unclear.